The following is an entry in ClinVar:

ClinVar aggregate classification (germline): Uncertain significance (1 of 4 stars; one submission).

Conditions:
Hyperphosphatasia with impaired intellectual development syndrome 2. Also called: Hyperphosphatasia with intellectual disability syndrome 2; GLYCOSYLPHOSPHATIDYLINOSITOL BIOSYNTHESIS DEFECT 6. Identifiers: Orphanet 247262, MedGen C3553637, MONDO:0013882, OMIM 614749.

Submission:

Labcorp Genetics (formerly Invitae), Labcorp
Classification: Uncertain significance for Hyperphosphatasia with impaired intellectual development syndrome 2. Last evaluated: 2019-04-25. Review status: criteria provided, single submitter. Criteria: Invitae Variant Classification Sherloc (09022015). Collection method: clinical testing. Allele origin: germline.
Comment: Algorithms developed to predict the effect of missense changes on protein structure and function are either unavailable or do not agree on the potential impact of this missense change (SIFT: "Tolerated"; PolyPhen-2: "Probably Damaging"; Align-GVGD: "Class C0"). This sequence change replaces histidine with asparagine at codon 286 of the PIGO protein (p.His286Asn). The histidine residue is highly conserved and there is a small physicochemical difference between histidine and asparagine. This variant is not present in population databases (ExAC no frequency). This variant has not been reported in the literature in individuals with PIGO-related conditions. In summary, the available evidence is currently insufficient to determine the role of this variant in disease. Therefore, it has been classified as a Variant of Uncertain Significance.

NM_032634.4(PIGO):c.856C>A (p.His286Asn)

Gene: PIGO (phosphatidylinositol glycan anchor biosynthesis class O; minus strand). Cytogenetic location: 9p13.3.
Variant type: single nucleotide variant.
Coding change: c.856C>A on transcript NM_032634.4 (MANE Select); coding-DNA position 856, C replaced by A.
Protein change: p.His286Asn; replaces histidine 286 with asparagine.
Molecular consequence: missense variant.
Genome position (GRCh38, 1-based): chr9:35,093,504, G>T on the plus strand (C>A on the coding strand, the complement: PIGO is on the minus strand). VCF-style: chr9-35093504-G-T. GRCh37 (hg19) VCF-style: chr9-35093501-G-T.
Other names: c.856C>A, p.His286Asn (NM_001201484.2, NM_152850.4); short protein forms H286N.
Identifiers: ClinVar variation 650533 (VCV000650533.10), dbSNP rs1587171258, ClinGen allele CA373323340.